The following is an entry in ClinVar:

ClinVar aggregate classification (germline): Uncertain significance (1 of 4 stars; one submission).

Conditions:
Primary ciliary dyskinesia. Also called: Ciliary dyskinesia. Identifiers: Orphanet 244, MedGen C0008780, MONDO:0016575, HP:0012265.

gnomAD v4.1: 2 of 1,614,134 alleles (0.00012%); highest among the groups gnomAD compares: Non-Finnish European, 0.00017%; no homozygotes.

Submission:

Labcorp Genetics (formerly Invitae), Labcorp
Classification: Uncertain significance for Primary ciliary dyskinesia. Last evaluated: 2025-11-06. Review status: criteria provided, single submitter. Criteria: Invitae Variant Classification Sherloc (09022015). Collection method: clinical testing. Allele origin: germline.
Comment: This sequence change replaces histidine, which is basic and polar, with arginine, which is basic and polar, at codon 4082 of the DNAH5 protein (p.His4082Arg). This variant is not present in population databases (gnomAD no frequency). This variant has not been reported in the literature in individuals affected with DNAH5-related conditions. Invitae Evidence Modeling of protein sequence and biophysical properties (such as structural, functional, and spatial information, amino acid conservation, physicochemical variation, residue mobility, and thermodynamic stability) indicates that this missense variant is not expected to disrupt DNAH5 protein function with a negative predictive value of 95%. In summary, the available evidence is currently insufficient to determine the role of this variant in disease. Therefore, it has been classified as a Variant of Uncertain Significance.

NM_001369.3(DNAH5):c.12245A>G (p.His4082Arg)

Gene: DNAH5 (dynein axonemal heavy chain 5; minus strand). Cytogenetic location: 5p15.2.
Variant type: single nucleotide variant.
Coding change: c.12245A>G on transcript NM_001369.3 (MANE Select); coding-DNA position 12245, A replaced by G.
Protein change: p.His4082Arg; replaces histidine 4082 with arginine.
Molecular consequence: missense variant.
Genome position (GRCh38, 1-based): chr5:13,721,034, T>C on the plus strand (A>G on the coding strand, the complement: DNAH5 is on the minus strand). VCF-style: chr5-13721034-T-C. GRCh37 (hg19) VCF-style: chr5-13721143-T-C.
Other names: short protein forms H4082R.
Identifiers: ClinVar variation 4770506 (VCV004770506.1).